The following is an entry in ClinVar:

NM_000268.4(NF2):c.97A>G (p.Met33Val)

Gene: NF2 (NF2, moesin-ezrin-radixin like (MERLIN) tumor suppressor; plus strand). Cytogenetic location: 22q12.2.
Variant type: single nucleotide variant.
Coding change: c.97A>G on transcript NM_000268.4 (MANE Select); coding-DNA position 97, A replaced by G.
Protein change: p.Met33Val; replaces methionine 33 with valine.
Molecular consequence: missense variant. On other transcripts: 5 prime UTR variant (4), non-coding transcript variant (1).
Genome position (GRCh38, 1-based): chr22:29,604,095, A>G. VCF-style: chr22-29604095-A-G. GRCh37 (hg19) VCF-style: chr22-30000084-A-G.
Other names: c.-134A>G (NM_001407053.1, NM_001407056.1); c.97A>G, p.Met33Val (NM_001407054.1, NM_001407055.1, NM_001407057.1 and 15 more transcripts); c.-544A>G (NM_001407065.1); c.-160A>G (NM_001407067.1); short protein forms M33V.
Identifiers: ClinVar variation 2857116 (VCV002857116.4), dbSNP rs2064718134, ClinGen allele CA411146252.

ClinVar aggregate classification (germline): Uncertain significance. Review status: criteria provided, multiple submitters, no conflicts (2 of 4 stars). 2 submissions from 2 submitters: Uncertain significance (2). Last evaluated 2026-02-24.

Conditions:
Hereditary cancer-predisposing syndrome. Also called: Tumor predisposition; Hereditary neoplastic syndrome; Hereditary Cancer Syndrome; Neoplastic Syndromes, Hereditary. Identifiers: Orphanet 140162, MedGen C0027672, MeSH D009386, MONDO:0015356.
Neurofibromatosis, type 2 (SWNV). Also called: BILATERAL ACOUSTIC NEUROFIBROMATOSIS; NF2-Related Schwannomatosis; SCHWANNOMATOSIS, VESTIBULAR. Identifiers: Orphanet 637, MedGen C0027832, MONDO:0007039, OMIM 101000. Disease mechanism: loss of function.

Submissions (2):

Ambry Genetics
Classification: Uncertain significance for Hereditary cancer-predisposing syndrome. Last evaluated: 2026-02-24. Review status: criteria provided, single submitter. Criteria: Ambry Variant Classification Scheme 2023. Collection method: clinical testing. Allele origin: germline.
Comment: The p.M33V variant (also known as c.97A>G), located in coding exon 1 of the NF2 gene, results from an A to G substitution at nucleotide position 97. The methionine at codon 33 is replaced by valine, an amino acid with highly similar properties. This amino acid position is conserved. In addition, the in silico prediction for this alteration is inconclusive. Based on the available evidence, the clinical significance of this variant remains unclear.

Labcorp Genetics (formerly Invitae), Labcorp
Classification: Uncertain significance for Neurofibromatosis, type 2. Last evaluated: 2023-04-17. Review status: criteria provided, single submitter. Criteria: Invitae Variant Classification Sherloc (09022015). Collection method: clinical testing. Allele origin: germline.
Comment: In summary, the available evidence is currently insufficient to determine the role of this variant in disease. Therefore, it has been classified as a Variant of Uncertain Significance. Advanced modeling of protein sequence and biophysical properties (such as structural, functional, and spatial information, amino acid conservation, physicochemical variation, residue mobility, and thermodynamic stability) performed at Invitae indicates that this missense variant is not expected to disrupt NF2 protein function. This variant has not been reported in the literature in individuals affected with NF2-related conditions. This variant is not present in population databases (gnomAD no frequency). This sequence change replaces methionine, which is neutral and non-polar, with valine, which is neutral and non-polar, at codon 33 of the NF2 protein (p.Met33Val).